The following is an entry in ClinVar:

NM_005869.4(CWC27):c.32C>T (p.Thr11Met)

Genes: CWC27 (CWC27 spliceosome associated cyclophilin; plus strand), LOC123493324 (MED14-independent group 3 enhancer GRCh37_chr5:64063900-64065099; plus strand). Cytogenetic location: 5q12.3.
Variant type: single nucleotide variant.
Coding change: c.32C>T on transcript NM_005869.4 (MANE Select); coding-DNA position 32, C replaced by T.
Protein change: p.Thr11Met; replaces threonine 11 with methionine.
Molecular consequence: missense variant.
Genome position (GRCh38, 1-based): chr5:64,769,178, C>T. VCF-style: chr5-64769178-C-T. GRCh37 (hg19) VCF-style: chr5-64065005-C-T.
Other names: c.32C>T, p.Thr11Met (NM_001297644.1, NM_001297645.2, NM_001318000.2 and 1 more transcripts); short protein forms T11M.
Identifiers: ClinVar variation 1489931 (VCV001489931.8), dbSNP rs529010023, ClinGen allele CA359837118.
Genomic context (GRCh38, chr5:64,769,178, plus strand): 5'-AAGGAGCAGAGTCCTTTGTACTGACCAAGATGAGCAACATCTACATCCAGGAGCCTCCCA[C>T]GAATGGGAAGGTGAGAGCCTCATCTAGGGAACTTGGGGTCCTGGGATCCCCAAAGTGAGA-3'
Protein context (NP_005860.2, residues 1-21): MSNIYIQEPP[Thr11Met]NGKVLLKTTA

ClinVar aggregate classification (germline): Uncertain significance (1 of 4 stars; one submission).

gnomAD v4.1: 2 of 1,614,040 alleles (0.00012%); highest among the groups gnomAD compares: Non-Finnish European, 0.00017%; no homozygotes.

Submission:

Labcorp Genetics (formerly Invitae), Labcorp
Classification: Uncertain significance. Last evaluated: 2025-03-31. Review status: criteria provided, single submitter. Criteria: Invitae Variant Classification Sherloc (09022015). Collection method: clinical testing. Allele origin: germline.
Comment: This sequence change replaces threonine, which is neutral and polar, with methionine, which is neutral and non-polar, at codon 11 of the CWC27 protein (p.Thr11Met). This variant is not present in population databases (gnomAD no frequency). This variant has not been reported in the literature in individuals affected with CWC27-related conditions. ClinVar contains an entry for this variant (Variation ID: 1489931). An algorithm developed to predict the effect of missense changes on protein structure and function (PolyPhen-2) suggests that this variant is likely to be tolerated. In summary, the available evidence is currently insufficient to determine the role of this variant in disease. Therefore, it has been classified as a Variant of Uncertain Significance.